The following is an entry in ClinVar:

ClinVar aggregate classification (germline): Uncertain significance (1 of 4 stars; one submission).

Conditions:
Orofacial cleft 11 (OFC11). Also called: Orofacial cleft 11; ofc11; CLEFT LIP WITH OR WITHOUT CLEFT PALATE, NONSYNDROMIC, 11. Identifiers: MedGen C2677434, MONDO:0010906, OMIM 600625.
Microphthalmia with brain and digit anomalies (MCOPS6). Also called: Microphthalmia, syndromic 6; MICROPHTHALMIA AND PITUITARY ANOMALIES. Identifiers: Orphanet 139471, MedGen C1864689, MONDO:0011936, OMIM 607932.

Allele frequency attached by ClinVar (database versions not stated): gnomAD 0.00001; TOPMed 0.00001; gnomAD exomes 0.00003; ExAC 0.00008.
gnomAD v4.1: 40 of 1,613,380 alleles (0.0025%); highest among the groups gnomAD compares: Non-Finnish European, 0.0029%; no homozygotes.

Submission:

Labcorp Genetics (formerly Invitae), Labcorp
Classification: Uncertain significance for Microphthalmia with brain and digit anomalies; Orofacial cleft 11. Last evaluated: 2025-09-08. Review status: criteria provided, single submitter. Criteria: Invitae Variant Classification Sherloc (09022015). Collection method: clinical testing. Allele origin: germline.
Comment: This sequence change replaces arginine, which is basic and polar, with glutamine, which is neutral and polar, at codon 159 of the BMP4 protein (p.Arg159Gln). This variant is present in population databases (rs777406477, gnomAD 0.01%). This missense change has been observed in individual(s) with developmental delay (PMID: 33057194, 35982159). ClinVar contains an entry for this variant (Variation ID: 2068577). Invitae Evidence Modeling of protein sequence and biophysical properties (such as structural, functional, and spatial information, amino acid conservation, physicochemical variation, residue mobility, and thermodynamic stability) indicates that this missense variant is not expected to disrupt BMP4 protein function with a negative predictive value of 80%. In summary, the available evidence is currently insufficient to determine the role of this variant in disease. Therefore, it has been classified as a Variant of Uncertain Significance.

Literature cited by the submitters: PubMed 33057194; PubMed 35982159.

NM_001202.6(BMP4):c.476G>A (p.Arg159Gln)

Gene: BMP4 (bone morphogenetic protein 4; minus strand). Cytogenetic location: 14q22.2.
Variant type: single nucleotide variant.
Coding change: c.476G>A on transcript NM_001202.6 (MANE Select); coding-DNA position 476, G replaced by A.
Protein change: p.Arg159Gln; replaces arginine 159 with glutamine.
Molecular consequence: missense variant.
Genome position (GRCh38, 1-based): chr14:53,950,783, C>T on the plus strand (G>A on the coding strand, the complement: BMP4 is on the minus strand). VCF-style: chr14-53950783-C-T. GRCh37 (hg19) VCF-style: chr14-54417501-C-T.
Other names: c.617G>A, p.Arg206Gln (NM_001347912.1); c.287G>A, p.Arg96Gln (NM_001347913.2, NM_001347915.2, NM_001347917.1); c.476G>A, p.Arg159Gln (NM_001347914.2, NM_001347916.1, NM_130850.5 and 1 more transcripts); short protein forms R96Q, R206Q, R159Q.
Identifiers: ClinVar variation 2068577 (VCV002068577.4), dbSNP rs777406477, ClinGen allele CA7191731.
Genomic context (GRCh38, chr14:53,950,783, plus strand): 5'-TTTATACGGTGGAAGCCCCTTTCCCAATCAGGGCCCTGGTCCACCTGCTCCCGGAAGAGC[C>T]GAAGCTCTGCAGAGGAGATCACCTCGTTCTCAGGGATGCTGCTGAGGTTAAAGAGGAAAC-3'
Protein context (NP_001193.2, residues 149-169): ENEVISSAEL[Arg159Gln]LFREQVDQGP